The following is an entry in ClinVar:

NM_015001.3(SPEN):c.6064G>A (p.Gly2022Ser)

Gene: SPEN (spen family transcriptional repressor; plus strand). Cytogenetic location: 1p36.13.
Variant type: single nucleotide variant.
Coding change: c.6064G>A on transcript NM_015001.3 (MANE Select); coding-DNA position 6064, G replaced by A.
Protein change: p.Gly2022Ser; replaces glycine 2022 with serine.
Molecular consequence: missense variant.
Genome position (GRCh38, 1-based): chr1:15,932,304, G>A. VCF-style: chr1-15932304-G-A. GRCh37 (hg19) VCF-style: chr1-16258799-G-A.
Other names: short protein forms G2022S.
Identifiers: ClinVar variation 2638326 (VCV002638326.24), dbSNP rs141045137, ClinGen allele CA619853.

ClinVar aggregate classification (germline): Likely benign (1 of 4 stars; one submission).

Allele frequency attached by ClinVar (database versions not stated): gnomAD 0.00044; gnomAD exomes 0.00046; TOPMed 0.00056; ESP Exome Variant Server 0.00069; ExAC 0.00070.
gnomAD v4.1: 744 of 1,608,488 alleles (0.046%); highest among the groups gnomAD compares: Non-Finnish European, 0.054%; 1 homozygote.

Submission:

CeGaT Center for Human Genetics Tuebingen
Classification: Likely benign. Last evaluated: 2025-10-01. Review status: criteria provided, single submitter. Criteria: CeGaT Center For Human Genetics Tuebingen Variant Classification Criteria Version 2. Collection method: clinical testing. Allele origin: germline. Affected: yes. Observed: 3 variant alleles.
Comment: SPEN: BP4, BS1